The following is an entry in ClinVar:

ClinVar aggregate classification (germline): Uncertain significance. Review status: criteria provided, multiple submitters, no conflicts (2 of 4 stars). 2 submissions from 2 submitters: Uncertain significance (2). Last evaluated 2024-05-28.

Allele frequency attached by ClinVar (database versions not stated): gnomAD 0.00001; gnomAD exomes 0.00001 and 0.00002; TOPMed 0.00001; ExAC 0.00002.
gnomAD v4.1: 15 of 1,612,962 alleles (0.00093%); highest among the groups gnomAD compares: South Asian, 0.0099%; 1 homozygote.

Submissions (2):

Women's Health and Genetics/Laboratory Corporation of America, LabCorp
Classification: Uncertain significance. Last evaluated: 2024-05-28. Review status: criteria provided, single submitter. Criteria: LabCorp Variant Classification Summary - May 2015. Collection method: clinical testing. Allele origin: germline.
Comment: Variant summary: PDGFRB c.1090G>A (p.Glu364Lys) results in a conservative amino acid change located in the Immunoglobulin subtype 2 domain (IPR003598) of the encoded protein sequence. Three of five in-silico tools predict a damaging effect of the variant on protein function. The variant allele was found at a frequency of 2e-05 in 247254 control chromosomes. The available data on variant occurrences in the general population are insufficient to allow any conclusion about variant significance. To our knowledge, no occurrence of c.1090G>A in individuals affected with PDGFRB-Related Disorders and no experimental evidence demonstrating its impact on protein function have been reported. ClinVar contains an entry for this variant (Variation ID: 1342481). Based on the evidence outlined above, the variant was classified as uncertain significance.

New York Genome Center
Classification: Uncertain significance. Last evaluated: 2021-04-25. Review status: criteria provided, single submitter. Criteria: NYGC Assertion Criteria 2020. Collection method: clinical testing. Allele origin: inherited. Observed: 1 heterozygote. Study: CSER-NYCKidSeq.
Comment: The inherited c.1090G>A (p.Glu364Lys) variant in exon 7of 23 of PDGFRB has not been reported in affected individuals. This variant is present in gnomADv3 at a low frequency [2/152262 alleles (heterozygotes), allele frequency = 0.00001314, no homozygotes] suggesting it is not a common benign variant in the populations represented in this database. In silico predictors suggest this variant is Damaging (SIFT score: 0.003) and Benign (REVEL score: 0.1449). Given the conflicting evidence regarding its pathogenicity, the c.1090G>A (p.Glu364Lys) variant identified in the PDGFRB gene is classified as a variant of uncertain significance.

NM_002609.4(PDGFRB):c.1090G>A (p.Glu364Lys)

Gene: PDGFRB (platelet derived growth factor receptor beta; minus strand). Cytogenetic location: 5q32.
Variant type: single nucleotide variant.
Coding change: c.1090G>A on transcript NM_002609.4 (MANE Select); coding-DNA position 1090, G replaced by A.
Protein change: p.Glu364Lys; replaces glutamic acid 364 with lysine.
Molecular consequence: missense variant.
Genome position (GRCh38, 1-based): chr5:150,132,787, C>T on the plus strand (G>A on the coding strand, the complement: PDGFRB is on the minus strand). VCF-style: chr5-150132787-C-T. GRCh37 (hg19) VCF-style: chr5-149512350-C-T.
Other names: c.898G>A, p.Glu300Lys (NM_001355016.2); c.607G>A, p.Glu203Lys (NM_001355017.2); short protein forms E203K, E300K, E364K.
Identifiers: ClinVar variation 1342481 (VCV001342481.2), dbSNP rs754790326, ClinGen allele CA3508109.